The following is an entry in ClinVar:

NM_206926.2(SELENON):c.1549C>G (p.Pro517Ala)

Gene: SELENON (selenoprotein N; plus strand). Cytogenetic location: 1p36.11.
Variant type: single nucleotide variant.
Coding change: c.1549C>G on transcript NM_206926.2 (MANE Select); coding-DNA position 1549, C replaced by G.
Protein change: p.Pro517Ala; replaces proline 517 with alanine.
Molecular consequence: missense variant.
Genome position (GRCh38, 1-based): chr1:25,815,596, C>G. VCF-style: chr1-25815596-C-G. GRCh37 (hg19) VCF-style: chr1-26142087-C-G.
Other names: c.1651C>G, p.Pro551Ala (NM_020451.3); short protein forms P517A, P551A.
Identifiers: ClinVar variation 1409583 (VCV001409583.6), dbSNP rs2124456811, ClinGen allele CA339121185.
Genomic context (GRCh38, chr1:25,815,596, plus strand): 5'-CCCTTCTCCCAGGTCCATCACATCAATGCCAACTACTTCTTGGACATCACCTCCGTGAAG[C>G]CCGAGGAAATCGAGAGCAATCTCTTCAGCTTCTCATCCACCTTTGAAGACCCGTCCACGG-3'
Protein context (NP_996809.1, residues 507-527): NYFLDITSVK[Pro517Ala]EEIESNLFSF

ClinVar aggregate classification (germline): Uncertain significance (1 of 4 stars; one submission).

Conditions:
Eichsfeld type congenital muscular dystrophy (CMYO3). Also called: MYOPATHY, SEPN1-RELATED; SELENON-related myopathy; Congenital myopathy 3 with rigid spine; Rigid spine muscular dystrophy 1. Identifiers: MedGen C0410180, MONDO:0100100, OMIM 602771.

Submission:

Labcorp Genetics (formerly Invitae), Labcorp
Classification: Uncertain significance for Eichsfeld type congenital muscular dystrophy. Last evaluated: 2023-05-23. Review status: criteria provided, single submitter. Criteria: Invitae Variant Classification Sherloc (09022015). Collection method: clinical testing. Allele origin: germline.
Comment: In summary, the available evidence is currently insufficient to determine the role of this variant in disease. Therefore, it has been classified as a Variant of Uncertain Significance. Advanced modeling of protein sequence and biophysical properties (such as structural, functional, and spatial information, amino acid conservation, physicochemical variation, residue mobility, and thermodynamic stability) has been performed at Invitae for this missense variant, however the output from this modeling did not meet the statistical confidence thresholds required to predict the impact of this variant on SELENON protein function. This sequence change replaces proline, which is neutral and non-polar, with alanine, which is neutral and non-polar, at codon 551 of the SELENON protein (p.Pro551Ala). This variant is not present in population databases (gnomAD no frequency). This variant has not been reported in the literature in individuals affected with SELENON-related conditions. ClinVar contains an entry for this variant (Variation ID: 1409583).